The following is an entry in ClinVar:

NM_032043.3(BRIP1):c.2051G>C (p.Cys684Ser)

Gene: BRIP1 (BRCA1 interacting DNA helicase 1; minus strand). Cytogenetic location: 17q23.2.
Variant type: single nucleotide variant.
Coding change: c.2051G>C on transcript NM_032043.3 (MANE Select); coding-DNA position 2051, G replaced by C.
Protein change: p.Cys684Ser; replaces cysteine 684 with serine.
Molecular consequence: missense variant.
Genome position (GRCh38, 1-based): chr17:61,776,447, C>G on the plus strand (G>C on the coding strand, the complement: BRIP1 is on the minus strand). VCF-style: chr17-61776447-C-G. GRCh37 (hg19) VCF-style: chr17-59853808-C-G.
Other names: short protein forms C684S.
Identifiers: ClinVar variation 1785081 (VCV001785081.3), dbSNP rs2145028133, ClinGen allele CA400478170.

ClinVar aggregate classification (germline): Uncertain significance (1 of 4 stars; one submission).

Conditions:
Hereditary cancer-predisposing syndrome. Also called: Neoplastic Syndromes, Hereditary; Tumor predisposition; Hereditary Cancer Syndrome; Hereditary neoplastic syndrome. Identifiers: Orphanet 140162, MedGen C0027672, MeSH D009386, MONDO:0015356.

Submission:

Ambry Genetics
Classification: Uncertain significance for Hereditary cancer-predisposing syndrome. Last evaluated: 2025-10-10. Review status: criteria provided, single submitter. Criteria: Ambry Variant Classification Scheme 2023. Collection method: clinical testing. Allele origin: germline.
Comment: The p.C684S variant (also known as c.2051G>C), located in coding exon 13 of the BRIP1 gene, results from a G to C substitution at nucleotide position 2051. The cysteine at codon 684 is replaced by serine, an amino acid with dissimilar properties. This amino acid position is well conserved in available vertebrate species. In addition, this alteration is predicted to be deleterious by in silico analysis. Since supporting evidence is limited at this time, the clinical significance of this alteration remains unclear.